The following is an entry in ClinVar:

NM_001378778.1(MPDZ):c.2508del (p.Asp837fs)

Gene: MPDZ (multiple PDZ domain crumbs cell polarity complex component; minus strand). Cytogenetic location: 9p23.
Variant type: Deletion.
Coding change: c.2508del on transcript NM_001378778.1 (MANE Select); coding-DNA position 2508, one base deleted (A; older notation c.2508delA).
Protein change: p.Asp837fs; shifts the reading frame from aspartic acid 837.
Molecular consequence: frameshift variant.
Genome position (GRCh38, 1-based): chr9:13,183,559, T deleted on the plus strand (A on the coding strand, the reverse complement: MPDZ is on the minus strand). VCF-style (leftmost placement, unchanged base first): chr9-13183558-CT-C. GRCh37 (hg19) VCF-style: chr9-13183557-CT-C.
Other names: c.2508del, p.Asp837fs (NM_001261406.2, NM_001261407.2, NM_001330637.2 and 14 more transcripts); short protein forms D837fs.
Identifiers: ClinVar variation 1371165 (VCV001371165.6), dbSNP rs770273328, ClinGen allele CA4987427.

ClinVar aggregate classification (germline): Pathogenic (1 of 4 stars; one submission).

Allele frequency attached by ClinVar (database versions not stated): gnomAD exomes 0.00002 and 0.00008; gnomAD 0.00007; ExAC 0.00008.

Submission:

Labcorp Genetics (formerly Invitae), Labcorp
Classification: Pathogenic. Last evaluated: 2023-08-04. Review status: criteria provided, single submitter. Criteria: Invitae Variant Classification Sherloc (09022015). Collection method: clinical testing. Allele origin: germline.
Comment: For these reasons, this variant has been classified as Pathogenic. This sequence change creates a premature translational stop signal (p.Asp837Metfs*35) in the MPDZ gene. It is expected to result in an absent or disrupted protein product. Loss-of-function variants in MPDZ are known to be pathogenic (PMID: 23240096, 28556411). This variant is present in population databases (rs770273328, gnomAD 0.07%). This variant has not been reported in the literature in individuals affected with MPDZ-related conditions. ClinVar contains an entry for this variant (Variation ID: 1371165).

Literature cited by the submitters: PubMed 23240096; PubMed 28556411.